The following is an entry in ClinVar:

NM_001042492.3(NF1):c.1804G>A (p.Glu602Lys)

Gene: NF1 (neurofibromin 1; plus strand). Cytogenetic location: 17q11.2.
Variant type: single nucleotide variant.
Coding change: c.1804G>A on transcript NM_001042492.3 (MANE Select); coding-DNA position 1804, G replaced by A.
Protein change: p.Glu602Lys; replaces glutamic acid 602 with lysine.
Molecular consequence: missense variant.
Genome position (GRCh38, 1-based): chr17:31,223,526, G>A. VCF-style: chr17-31223526-G-A. GRCh37 (hg19) VCF-style: chr17-29550544-G-A.
Other names: c.1804G>A, p.Glu602Lys (NM_000267.4); short protein forms E602K.
Identifiers: ClinVar variation 4021517 (VCV004021517.1).

ClinVar aggregate classification (germline): Uncertain significance (1 of 4 stars; one submission).

Conditions:
Cardiovascular phenotype. Identifiers: MedGen CN230736.
Hereditary cancer-predisposing syndrome. Also called: Tumor predisposition; Hereditary neoplastic syndrome; Neoplastic Syndromes, Hereditary; Hereditary Cancer Syndrome. Identifiers: Orphanet 140162, MedGen C0027672, MeSH D009386, MONDO:0015356.

Submission:

Ambry Genetics
Classification: Uncertain significance for Cardiovascular phenotype; Hereditary cancer-predisposing syndrome. Last evaluated: 2025-04-22. Review status: criteria provided, single submitter. Criteria: Ambry Variant Classification Scheme 2023. Collection method: clinical testing. Allele origin: germline.
Comment: The p.E602K variant (also known as c.1804G>A), located in coding exon 16 of the NF1 gene, results from a G to A substitution at nucleotide position 1804. The glutamic acid at codon 602 is replaced by lysine, an amino acid with similar properties. This amino acid position is highly conserved in available vertebrate species. In addition, this alteration is predicted to be deleterious by in silico analysis. Based on the available evidence, the clinical significance of this variant remains unclear.